The following is an entry in ClinVar:

ClinVar aggregate classification (germline): Pathogenic (1 of 4 stars; one submission).

Conditions:
Ehlers-Danlos syndrome due to tenascin-X deficiency (EDSCLL1). Also called: EDS DUE TO TNX DEFICIENCY; TNX DEFICIENCY; Ehlers-Danlos syndrome, classic-like, 1; EHLERS-DANLOS SYNDROME, CLASSIC-LIKE; TNXB-Related Classical-Like Ehlers-Danlos Syndrome. Identifiers: Orphanet 230839, MedGen C1848029, MONDO:0011670, OMIM 606408.

Submission:

Myriad Genetics, Inc.
Classification: Pathogenic for Ehlers-Danlos syndrome due to tenascin-X deficiency. Last evaluated: 2026-09-03. Review status: criteria provided, single submitter. Criteria: Myriad Autosomal Dominant, Autosomal Recessive and X-Linked Classification Criteria (2023). Collection method: clinical testing. Allele origin: unknown.
Comment: NM_019105.6(TNXB):c.6037C>T(Q2013*) is expected to be pathogenic in the context of classical-like Ehlers-Danlos syndrome, TNXB-related. This variant is predicted to lead to an abnormal or absent protein product due to the creation of a premature termination codon in TNXB, a gene where loss-of-function variants are known to be pathogenic. Please note: this variant was assessed in the context of healthy population screening.

NM_001365276.2(TNXB):c.6037C>T (p.Gln2013Ter)

Gene: TNXB (tenascin XB; minus strand). Cytogenetic location: 6p21.33.
Variant type: single nucleotide variant.
Coding change: c.6037C>T on transcript NM_001365276.2 (MANE Select); coding-DNA position 6037, C replaced by T.
Protein change: p.Gln2013Ter; replaces glutamine 2013 with a stop codon.
Molecular consequence: nonsense.
Genome position (GRCh38, 1-based): chr6:32,068,573, G>A on the plus strand (C>T on the coding strand, the complement: TNXB is on the minus strand). VCF-style: chr6-32068573-G-A. GRCh37 (hg19) VCF-style: chr6-32036350-G-A.
Other names: c.6778C>T, p.Gln2260Ter (NM_001428335.1); c.6037C>T, p.Gln2013Ter (NM_019105.8); short protein forms Q2013*, Q2260*.
Identifiers: ClinVar variation 5016312 (VCV005016312.1).